The following is an entry in ClinVar:

ClinVar aggregate classification (germline): Uncertain significance (1 of 4 stars; one submission).

Conditions:
Cone-rod dystrophy 13 (CORD13). Identifiers: Orphanet 1872, MedGen C2750720, MONDO:0011987, OMIM 608194.
Leber congenital amaurosis 6 (LCA6). Identifiers: Orphanet 65, MedGen C1854260, MONDO:0013446, OMIM 613826.

Submission:

Labcorp Genetics (formerly Invitae), Labcorp
Classification: Uncertain significance for Leber congenital amaurosis 6; Cone-rod dystrophy 13. Last evaluated: 2022-06-06. Review status: criteria provided, single submitter. Criteria: Invitae Variant Classification Sherloc (09022015). Collection method: clinical testing. Allele origin: germline.
Comment: This sequence change falls in intron 3 of the RPGRIP1 gene. It does not directly change the encoded amino acid sequence of the RPGRIP1 protein. This variant is not present in population databases (gnomAD no frequency). This variant has not been reported in the literature in individuals affected with RPGRIP1-related conditions. Algorithms developed to predict the effect of sequence changes on RNA splicing suggest that this variant may disrupt the consensus splice site. In summary, the available evidence is currently insufficient to determine the role of this variant in disease. Therefore, it has been classified as a Variant of Uncertain Significance.

NM_020366.4(RPGRIP1):c.491-3del

Gene: RPGRIP1 (RPGR interacting protein 1; plus strand). Cytogenetic location: 14q11.2.
Variant type: Deletion.
Coding change: c.491-3del on transcript NM_020366.4 (MANE Select); 3 bases into the intron before coding-DNA position 491, one base deleted (T; older notation c.491-3delT).
Molecular consequence: intron variant.
Genome position (GRCh38, 1-based): chr14:21,302,485, T deleted; the last of 4 consecutive T bases (chr14:21,302,482-21,302,485); deleting any one gives the same sequence. VCF-style (leftmost placement, unchanged base first): chr14-21302481-CT-C. GRCh37 (hg19) VCF-style: chr14-21770640-CT-C.
Identifiers: ClinVar variation 2127133 (VCV002127133.1), dbSNP rs2502708362, ClinGen allele CA2580087933.